The following is an entry in ClinVar:

ClinVar aggregate classification (germline): Likely benign (0 of 4 stars; one submission).

Conditions:
GLA-related disorder. Also called: GLA-related condition.

Submission:

PreventionGenetics, part of Exact Sciences
Classification: Likely benign for GLA-related condition. Last evaluated: 2022-09-27. Review status: no assertion criteria provided. Collection method: clinical testing. Allele origin: germline.
Comment: This variant is classified as likely benign based on ACMG/AMP sequence variant interpretation guidelines (Richards et al. 2015 PMID: 25741868, with internal and published modifications).

NM_000169.3(GLA):c.-9A>C

Genes: GLA (galactosidase alpha; minus strand), RPL36A-HNRNPH2 (RPL36A-HNRNPH2 readthrough; plus strand). Cytogenetic location: Xq22.1.
Variant type: single nucleotide variant.
Coding change: c.-9A>C on transcript NM_000169.3 (MANE Select); 9 bases upstream of the start codon, A replaced by C.
Molecular consequence: 5 prime UTR variant. On other transcripts: non-coding transcript variant (3), intron variant (2).
Genome position (GRCh38, 1-based): chrX:101,407,912, T>G on the plus strand (A>C on the coding strand, the complement: GLA is on the minus strand). VCF-style: chrX-101407912-T-G. GRCh37 (hg19) VCF-style: chrX-100662900-T-G.
Other names: c.-9A>C (NM_001406747.1, NM_001406748.1, NM_001406749.1); c.301-4024T>G (NM_001199973.2); c.178-4024T>G (NM_001199974.2).
Identifiers: ClinVar variation 3035095 (VCV003035095.2), dbSNP rs2520948572, ClinGen allele CA2740092251.